The following is an entry in ClinVar:

ClinVar aggregate classification (germline): Uncertain significance (1 of 4 stars; one submission).

Conditions:
Multiple endocrine neoplasia, type 2 (MEN2). Identifiers: Orphanet 653, MedGen C4048306, MONDO:0019003. Disease mechanism: gain of function.

Submission:

All of Us Research Program, National Institutes of Health
Classification: Uncertain significance for Multiple endocrine neoplasia, type 2. Last evaluated: 2023-05-30. Review status: criteria provided, single submitter. Criteria: ACMG Guidelines, 2015. Collection method: clinical testing. Allele origin: germline. Inheritance: Autosomal dominant inheritance. Observed: 1 variant allele, 1 heterozygote.
Comment: This missense variant replaces arginine with leucine at codon 1050 of the RET protein. Computational prediction suggests that this variant may have deleterious impact on protein structure and function (internally defined REVEL score threshold >= 0.7, PMID: 27666373). To our knowledge, functional studies have not been reported for this variant. This variant has not been reported in individuals affected with hereditary cancer in the literature. This variant has not been identified in the general population by the Genome Aggregation Database (gnomAD). The available evidence is insufficient to determine the role of this variant in disease conclusively. Therefore, this variant is classified as a Variant of Uncertain Significance.

This study involves interpretation of variants in research participants for the purpose of population health screening. Participant phenotype was not available at the time of variant classification. Additional details can be found in publication PMID: 35346344, PMCID: PMC8962531

NM_020975.6(RET):c.3149G>T (p.Arg1050Leu)

Gene: RET (ret proto-oncogene; plus strand). Cytogenetic location: 10q11.21.
Variant type: single nucleotide variant.
Coding change: c.3149G>T on transcript NM_020975.6 (MANE Select); coding-DNA position 3149, G replaced by T.
Protein change: p.Arg1050Leu; replaces arginine 1050 with leucine.
Molecular consequence: missense variant. On other transcripts: intron variant (4).
Genome position (GRCh38, 1-based): chr10:43,126,684, G>T. VCF-style: chr10-43126684-G-T. GRCh37 (hg19) VCF-style: chr10-43622132-G-T.
Other names: c.3149G>T, p.Arg1050Leu (NM_000323.2, NM_001406743.1, NM_001406744.1 and 2 more transcripts); c.2387G>T, p.Arg796Leu (NM_001355216.2); c.3020G>T, p.Arg1007Leu (NM_001406761.1, NM_001406762.1, NM_001406764.1); c.3014G>T, p.Arg1005Leu (NM_001406763.1, NM_001406765.1); c.2861G>T, p.Arg954Leu (NM_001406766.1, NM_001406767.1, NM_001406770.1); c.2885G>T, p.Arg962Leu (NM_001406768.1); c.2753G>T, p.Arg918Leu (NM_001406769.1, NM_001406772.1); c.2711G>T, p.Arg904Leu (NM_001406771.1, NM_001406773.1); and 13 more; short protein forms R1005L, R1007L, R1050L, R567L, R615L, R655L, R706L, R708L.
Identifiers: ClinVar variation 3075553 (VCV003075553.1), dbSNP rs200956659, ClinGen allele CA376558489.